The following is an entry in ClinVar:

ClinVar aggregate classification (germline): Uncertain significance (1 of 4 stars; one submission).

Allele frequency attached by ClinVar (database versions not stated): gnomAD 0.00001; TOPMed 0.00001.
gnomAD v4.1: 8 of 1,251,898 alleles (0.00064%); highest among the groups gnomAD compares: South Asian, 0.0035%; no homozygotes.

Submission:

Labcorp Genetics (formerly Invitae), Labcorp
Classification: Uncertain significance. Last evaluated: 2024-01-15. Review status: criteria provided, single submitter. Criteria: Invitae Variant Classification Sherloc (09022015). Collection method: clinical testing. Allele origin: germline.
Comment: This sequence change replaces cysteine, which is neutral and slightly polar, with tyrosine, which is neutral and polar, at codon 81 of the LRRK1 protein (p.Cys81Tyr). This variant is not present in population databases (gnomAD no frequency). This variant has not been reported in the literature in individuals affected with LRRK1-related conditions. ClinVar contains an entry for this variant (Variation ID: 1956084). An algorithm developed to predict the effect of missense changes on protein structure and function (PolyPhen-2) suggests that this variant¬†is likely to be tolerated. In summary, the available evidence is currently insufficient to determine the role of this variant in disease. Therefore, it has been classified as a Variant of Uncertain Significance.

NM_024652.6(LRRK1):c.242G>A (p.Cys81Tyr)

Gene: LRRK1 (leucine rich repeat kinase 1; plus strand). Cytogenetic location: 15q26.3.
Variant type: single nucleotide variant.
Coding change: c.242G>A on transcript NM_024652.6 (MANE Select); coding-DNA position 242, G replaced by A.
Protein change: p.Cys81Tyr; replaces cysteine 81 with tyrosine.
Molecular consequence: missense variant.
Genome position (GRCh38, 1-based): chr15:100,973,948, G>A. VCF-style: chr15-100973948-G-A. GRCh37 (hg19) VCF-style: chr15-101514153-G-A.
Other names: short protein forms C81Y.
Identifiers: ClinVar variation 1956084 (VCV001956084.4), dbSNP rs1340750957, ClinGen allele CA393950159.
Genomic context (GRCh38, chr15:100,973,948, plus strand): 5'-CGTACAGGCGGGGAGACCGCGGCGGCGCCCGGGACCTGCTGGAGGAGGCCTGCGACCAGT[G>A]CGCGTCCCAGCTGGAAAAGGTAGGGGAGCGCCTGCCCCTGCGGCCACCCATGCAGCCCCG-3'
Protein context (NP_078928.3, residues 71-91): RDLLEEACDQ[Cys81Tyr]ASQLEKGQLL